The following is an entry in ClinVar:

NM_032607.3(CREB3L3):c.8C>T (p.Thr3Met)

Gene: CREB3L3 (cAMP responsive element binding protein 3 like 3; plus strand). Cytogenetic location: 19p13.3.
Variant type: single nucleotide variant.
Coding change: c.8C>T on transcript NM_032607.3 (MANE Select); coding-DNA position 8, C replaced by T.
Protein change: p.Thr3Met; replaces threonine 3 with methionine.
Molecular consequence: missense variant.
Genome position (GRCh38, 1-based): chr19:4,153,755, C>T. VCF-style: chr19-4153755-C-T. GRCh37 (hg19) VCF-style: chr19-4153752-C-T.
Other names: c.8C>T, p.Thr3Met (NM_001271995.2, NM_001271996.2, NM_001271997.2); short protein forms T3M.
Identifiers: ClinVar variation 2353462 (VCV002353462.4), dbSNP rs775663071, ClinGen allele CA9091145.

ClinVar aggregate classification (germline): Conflicting classifications of pathogenicity. Review status: criteria provided, conflicting classifications (1 of 4 stars). 2 submissions from 2 submitters: Uncertain significance (1); Likely benign (1). Last evaluated 2024-03-02.

Allele frequency attached by ClinVar (database versions not stated): ExAC 0.00003; gnomAD 0.00003; gnomAD exomes 0.00003; TOPMed 0.00005.
gnomAD v4.1: 45 of 1,613,922 alleles (0.0028%); highest among the groups gnomAD compares: East Asian, 0.025%; no homozygotes.

Submissions (2):

Labcorp Genetics (formerly Invitae), Labcorp
Classification: Uncertain significance. Last evaluated: 2024-03-02. Review status: criteria provided, single submitter. Criteria: Invitae Variant Classification Sherloc (09022015). Collection method: clinical testing. Allele origin: germline.
Comment: This sequence change replaces threonine, which is neutral and polar, with methionine, which is neutral and non-polar, at codon 3 of the CREB3L3 protein (p.Thr3Met). This variant is present in population databases (rs775663071, gnomAD 0.05%). This variant has not been reported in the literature in individuals affected with CREB3L3-related conditions. ClinVar contains an entry for this variant (Variation ID: 2353462). Algorithms developed to predict the effect of missense changes on protein structure and function output the following: SIFT: "Not Available"; PolyPhen-2: "Benign"; Align-GVGD: "Not Available". The methionine amino acid residue is found in multiple mammalian species, which suggests that this missense change does not adversely affect protein function. In summary, the available evidence is currently insufficient to determine the role of this variant in disease. Therefore, it has been classified as a Variant of Uncertain Significance.

Ambry Genetics
Classification: Likely benign. Last evaluated: 2021-08-30. Review status: criteria provided, single submitter. Criteria: Ambry Variant Classification Scheme 2023. Collection method: clinical testing. Allele origin: germline.